The following is an entry in ClinVar:

NM_002691.4(POLD1):c.331G>T (p.Val111Leu)

Gene: POLD1 (DNA polymerase delta 1, catalytic subunit; plus strand). Cytogenetic location: 19q13.33.
Variant type: single nucleotide variant.
Coding change: c.331G>T on transcript NM_002691.4 (MANE Select); coding-DNA position 331, G replaced by T.
Protein change: p.Val111Leu; replaces valine 111 with leucine.
Molecular consequence: missense variant. On other transcripts: non-coding transcript variant (1).
Genome position (GRCh38, 1-based): chr19:50,401,792, G>T. VCF-style: chr19-50401792-G-T. GRCh37 (hg19) VCF-style: chr19-50905049-G-T.
Other names: c.331G>T, p.Val111Leu (NM_001256849.1, NM_001308632.1); short protein forms V111L.
Identifiers: ClinVar variation 1021387 (VCV001021387.8), dbSNP rs2038642487, ClinGen allele CA406972109.
Genomic context (GRCh38, chr19:50,401,792, plus strand): 5'-AGGACCCTGAGAGGCATGGCCGCTGTCTTACCCTGTGACCCCACAGGCCCAGCGCAGCCT[G>T]TGCCTGGGGGGCCCCCACCATCCCGCGGCTCCGTGCCTGTGCTCCGCGCCTTCGGGGTCA-3'
Protein context (NP_002682.2, residues 101-121): IDHYVGPAQP[Val111Leu]PGGPPPSRGS

ClinVar aggregate classification (germline): Uncertain significance (1 of 4 stars; one submission).

Conditions:
POLD1-related polyposis and colorectal cancer syndrome (CRCS10). Also called: Colorectal cancer 10; COLORECTAL CANCER, SUSCEPTIBILITY TO, ON CHROMOSOME 19q; Colorectal cancer, susceptibility to, 10. Identifiers: Orphanet 220460, MedGen C2675481, MONDO:0012953, OMIM 612591.

Submission:

Labcorp Genetics (formerly Invitae), Labcorp
Classification: Uncertain significance for POLD1-related polyposis and colorectal cancer syndrome. Last evaluated: 2024-06-09. Review status: criteria provided, single submitter. Criteria: Invitae Variant Classification Sherloc (09022015). Collection method: clinical testing. Allele origin: germline.
Comment: This sequence change replaces valine, which is neutral and non-polar, with leucine, which is neutral and non-polar, at codon 111 of the POLD1 protein (p.Val111Leu). This variant is not present in population databases (gnomAD no frequency). This variant has not been reported in the literature in individuals affected with POLD1-related conditions. ClinVar contains an entry for this variant (Variation ID: 1021387). Algorithms developed to predict the effect of missense changes on protein structure and function output the following: SIFT: "Not Available"; PolyPhen-2: "Benign"; Align-GVGD: "Not Available". The leucine amino acid residue is found in multiple mammalian species, which suggests that this missense change does not adversely affect protein function. In summary, the available evidence is currently insufficient to determine the role of this variant in disease. Therefore, it has been classified as a Variant of Uncertain Significance.